The following is an entry in ClinVar:

ClinVar aggregate classification (germline): Pathogenic (1 of 4 stars; one submission).

Submission:

Quest Diagnostics Nichols Institute San Juan Capistrano
Classification: Pathogenic. Last evaluated: 2022-05-26. Review status: criteria provided, single submitter. Criteria: ACMG/ClinGen CNV Guidelines, 2019. Collection method: clinical testing. Allele origin: unknown.
Comment: This copy number loss is associated with the proximal (LCR22 A-D) 22q11.2 deletion syndrome a.k.a., Velocardiofacial syndrome (VCFS) or DiGeorge syndrome (DGS) (OMIM 192430; OMIM 188400). Individuals with chromosome 22q11.2 deletion syndrome have a broad range of phenotypic findings, including congenital heart defects, particularly conotruncal malformations (tetralogy of Fallot, interrupted aortic arch, ventricular septal defect, and truncus arteriosus), palatal abnormalities, characteristic facial features, learning difficulties, and immune deficiency. Haploinsufficiency of the TBX1 gene in particular is responsible for most of the clinical features. Deletions of this locus are usually de novo, but can be inherited. See GeneReviews for additional information and references.

GRCh37/hg19 22q11.21(chr22:19336598-21208828)x1

Genes: COMT (catechol-O-methyltransferase; plus strand), ARVCF (ARVCF delta catenin family member; minus strand), C22orf39 (chromosome 22 open reading frame 39; minus strand), CDC45 (cell division cycle 45; plus strand), CLDN5 (claudin 5; minus strand) and 27 more. Cytogenetic location: 22q11.21.
Variant type: copy number loss.
Change: copy number 1 (one copy instead of two) of chr22:19,336,598-21,208,828 (1.87 Mb, GRCh37 coordinates, 1-based), cytogenetic band 22q11.21.
Identifiers: ClinVar variation 1808679 (VCV001808679.1).